The following is an entry in ClinVar:

ClinVar aggregate classification (germline): Uncertain significance (1 of 4 stars; one submission).

Submission:

GeneDx
Classification: Uncertain significance. Last evaluated: 2023-04-09. Review status: criteria provided, single submitter. Criteria: GeneDx Variant Classification Process June 2021. Collection method: clinical testing. Allele origin: germline. Affected: yes.
Comment: Frameshift variant predicted to result in protein truncation or nonsense mediated decay in a gene or region of a gene for which loss of function is not a well-established mechanism of disease; Not observed at significant frequency in large population cohorts (gnomAD); Has not been previously published as pathogenic or benign to our knowledge; Variants in candidate genes are classified as variants of uncertain significance in accordance with ACMG guidelines (Richards et al., 2015)

NM_004789.4(LHX2):c.556dup (p.Val186fs)

Gene: LHX2 (LIM homeobox 2; plus strand). Cytogenetic location: 9q33.3.
Variant type: Duplication.
Coding change: c.556dup on transcript NM_004789.4 (MANE Select); coding-DNA position 556, one base duplicated (G; older notation c.556dupG).
Protein change: p.Val186fs; shifts the reading frame from valine 186.
Molecular consequence: frameshift variant.
Genome position (GRCh38, 1-based): chr9:124,015,354, G duplicated. VCF-style (leftmost placement, unchanged base first): chr9-124015353-C-CG. GRCh37 (hg19) VCF-style: chr9-126777632-C-CG.
Other names: short protein forms V186fs.
Identifiers: ClinVar variation 2663352 (VCV002663352.1), dbSNP rs2540148898, ClinGen allele CA2695199407.